The following is an entry in ClinVar:

ClinVar aggregate classification (germline): Uncertain significance. Review status: criteria provided, multiple submitters, no conflicts (2 of 4 stars). 2 submissions from 2 submitters: Uncertain significance (2). Last evaluated 2025-12-10.

Allele frequency attached by ClinVar (database versions not stated): gnomAD exomes 0.00001.
gnomAD v4.1: 11 of 1,609,494 alleles (0.00068%); highest among the groups gnomAD compares: South Asian, 0.0011%; no homozygotes.

Submissions (2):

Ambry Genetics
Classification: Uncertain significance. Last evaluated: 2025-12-10. Review status: criteria provided, single submitter. Criteria: Ambry Variant Classification Scheme 2023. Collection method: clinical testing. Allele origin: germline.

Labcorp Genetics (formerly Invitae), Labcorp
Classification: Uncertain significance. Last evaluated: 2024-06-21. Review status: criteria provided, single submitter. Criteria: Invitae Variant Classification Sherloc (09022015). Collection method: clinical testing. Allele origin: germline.
Comment: This sequence change replaces proline, which is neutral and non-polar, with leucine, which is neutral and non-polar, at codon 928 of the PLEKHM2 protein (p.Pro928Leu). The frequency data for this variant in the population databases is considered unreliable, as metrics indicate poor data quality at this position in the gnomAD database. This variant has not been reported in the literature in individuals affected with PLEKHM2-related conditions. ClinVar contains an entry for this variant (Variation ID: 1369828). Algorithms developed to predict the effect of missense changes on protein structure and function output the following: SIFT: "Not Available"; PolyPhen-2: "Benign"; Align-GVGD: "Not Available". The leucine amino acid residue is found in multiple mammalian species, which suggests that this missense change does not adversely affect protein function. In summary, the available evidence is currently insufficient to determine the role of this variant in disease. Therefore, it has been classified as a Variant of Uncertain Significance.

NM_015164.4(PLEKHM2):c.2783C>T (p.Pro928Leu)

Gene: PLEKHM2 (pleckstrin homology and RUN domain containing M2; plus strand). Cytogenetic location: 1p36.21.
Variant type: single nucleotide variant.
Coding change: c.2783C>T on transcript NM_015164.4 (MANE Select); coding-DNA position 2783, C replaced by T.
Protein change: p.Pro928Leu; replaces proline 928 with leucine.
Molecular consequence: missense variant.
Genome position (GRCh38, 1-based): chr1:15,732,507, C>T. VCF-style: chr1-15732507-C-T. GRCh37 (hg19) VCF-style: chr1-16059002-C-T.
Other names: c.2783C>T (NM_015164.2); short protein forms P928L.
Identifiers: ClinVar variation 1369828 (VCV001369828.7), dbSNP rs1290176281, ClinGen allele CA338574988.